The following is an entry in ClinVar:

NM_003235.5(TG):c.6055+1G>A

Gene: TG (thyroglobulin; plus strand). Cytogenetic location: 8q24.22.
Variant type: single nucleotide variant.
Coding change: c.6055+1G>A on transcript NM_003235.5 (MANE Select); the canonical splice donor site of the intron after coding-DNA position 6055, G replaced by A.
Molecular consequence: splice donor variant.
Genome position (GRCh38, 1-based): chr8:132,971,874, G>A. VCF-style: chr8-132971874-G-A. GRCh37 (hg19) VCF-style: chr8-133984119-G-A.
Identifiers: ClinVar variation 2779531 (VCV002779531.3), dbSNP rs1453464360, ClinGen allele CA372236921.

ClinVar aggregate classification (germline): Likely pathogenic (1 of 4 stars; one submission).

Allele frequency attached by ClinVar (database versions not stated): gnomAD exomes 0.00001.
gnomAD v4.1: 7 of 1,602,338 alleles (0.00044%); highest among the groups gnomAD compares: Non-Finnish European, 0.0006%; no homozygotes.

Submission:

Labcorp Genetics (formerly Invitae), Labcorp
Classification: Likely pathogenic. Last evaluated: 2023-03-04. Review status: criteria provided, single submitter. Criteria: Invitae Variant Classification Sherloc (09022015). Collection method: clinical testing. Allele origin: germline.
Comment: In summary, the currently available evidence indicates that the variant is pathogenic, but additional data are needed to prove that conclusively. Therefore, this variant has been classified as Likely Pathogenic. Algorithms developed to predict the effect of sequence changes on RNA splicing suggest that this variant may disrupt the consensus splice site. This variant has not been reported in the literature in individuals affected with TG-related conditions. This variant is present in population databases (no rsID available, gnomAD 0.002%). This sequence change affects a donor splice site in intron 33 of the TG gene. It is expected to disrupt RNA splicing. Variants that disrupt the donor or acceptor splice site typically lead to a loss of protein function (PMID: 16199547), and loss-of-function variants in TG are known to be pathogenic (PMID: 19837936, 23164529).

Literature cited by the submitters: PubMed 16199547; PubMed 19837936; PubMed 23164529.